The following is an entry in ClinVar:

ClinVar aggregate classification (germline): Likely pathogenic (1 of 4 stars; one submission).

Conditions:
Usher syndrome type 2A. Also called: RETINAL DISEASE IN USHER SYNDROME TYPE IIA, MODIFIER OF; USHER SYNDROME, TYPE IIA. Identifiers: Orphanet 231178, Orphanet 886, MedGen C1848634, MONDO:0010169, OMIM 276901.

Submission:

Myriad Genetics, Inc.
Classification: Likely pathogenic for Usher syndrome type 2A. Last evaluated: 2021-12-30. Review status: criteria provided, single submitter. Criteria: Myriad Women's Health Autosomal Recessive and X-Linked Classification Criteria (2021). Collection method: clinical testing. Allele origin: unknown.
Comment: NM_206933.2(USH2A):c.3484_3485delTC(S1162Rfs*40) is expected to be pathogenic in the context of USH2A-related disorders. This variant is predicted to lead to an abnormal or absent protein product due to the creation of a premature termination codon in USH2A, a gene where loss-of-function variants are known to be pathogenic. Please note: this variant was assessed in the context of healthy population screening.

NM_206933.4(USH2A):c.3484_3485del (p.Ser1162fs)

Genes: USH2A (usherin; minus strand), USH2A-AS1 (USH2A antisense RNA 1; plus strand). Cytogenetic location: 1q41.
Variant type: Deletion.
Coding change: c.3484_3485del on transcript NM_206933.4 (MANE Select); coding-DNA positions 3484 to 3485, 2 bases deleted (TC; older notation c.3484_3485delTC).
Protein change: p.Ser1162fs; shifts the reading frame from serine 1162.
Molecular consequence: frameshift variant.
Genome position (GRCh38, 1-based): chr1:216,199,953-216,199,954, GA deleted on the plus strand (TC on the coding strand, the reverse complement: USH2A is on the minus strand); deleting any 2 consecutive bases within chr1:216,199,953-216,199,955 gives the same sequence; the c. name uses the placement nearest the transcript's 3' end. VCF-style (leftmost placement, unchanged base first): chr1-216199952-TGA-T. GRCh37 (hg19) VCF-style: chr1-216373294-TGA-T.
Other names: c.3484_3485del, p.Ser1162fs (NM_007123.6); short protein forms S1162fs.
Identifiers: ClinVar variation 1726672 (VCV001726672.2), dbSNP rs2528046714, ClinGen allele CA2580062160.